The following is an entry in ClinVar:

NM_001130965.3(SUN1):c.1913C>A (p.Thr638Lys)

Gene: SUN1 (Sad1 and UNC84 domain containing 1; plus strand). Cytogenetic location: 7p22.3.
Variant type: single nucleotide variant.
Coding change: c.1913C>A on transcript NM_001130965.3 (MANE Select); coding-DNA position 1913, C replaced by A.
Protein change: p.Thr638Lys; replaces threonine 638 with lysine.
Molecular consequence: missense variant. On other transcripts: non-coding transcript variant (3).
Genome position (GRCh38, 1-based): chr7:866,000, C>A. VCF-style: chr7-866000-C-A. GRCh37 (hg19) VCF-style: chr7-905637-C-A.
Other names: c.1760C>A, p.Thr587Lys (NM_001367671.1, NM_001367662.1); c.1880C>A, p.Thr627Lys (NM_001367672.1); c.2045C>A, p.Thr682Lys (NM_001367673.1, NM_001367706.1); c.2111C>A, p.Thr704Lys (NM_001367674.1); c.2063C>A, p.Thr688Lys (NM_001367675.1); c.2096C>A, p.Thr699Lys (NM_001367676.1); c.2219C>A, p.Thr740Lys (NM_001367677.1); c.2303C>A, p.Thr768Lys (NM_001367678.1, NM_001367699.1); and 43 more; short protein forms T485K, T587K, T625K, T647K, T653K, T666K, T674K, T719K.
Identifiers: ClinVar variation 3730793 (VCV003730793.2).

ClinVar aggregate classification (germline): Uncertain significance (1 of 4 stars; one submission).

Conditions:
Emery-Dreifuss muscular dystrophy (EDMD). Also called: Scapuloperoneal syndrome, X-linked (formerly); Humeroperoneal neuromuscular disease, (formerly). Identifiers: Orphanet 261, MedGen C0410189, MONDO:0016830.

gnomAD v4.1: 25 of 1,614,152 alleles (0.0015%); highest among the groups gnomAD compares: East Asian, 0.045%; no homozygotes.

Submission:

Labcorp Genetics (formerly Invitae), Labcorp
Classification: Uncertain significance for Emery-Dreifuss muscular dystrophy. Last evaluated: 2024-10-09. Review status: criteria provided, single submitter. Criteria: Invitae Variant Classification Sherloc (09022015). Collection method: clinical testing. Allele origin: germline.
Comment: This sequence change replaces threonine, which is neutral and polar, with lysine, which is basic and polar, at codon 638 of the SUN1 protein (p.Thr638Lys). This variant is present in population databases (rs539468692, gnomAD 0.07%), and has an allele count higher than expected for a pathogenic variant. This variant has not been reported in the literature in individuals affected with SUN1-related conditions. An algorithm developed to predict the effect of missense changes on protein structure and function (PolyPhen-2) suggests that this variant is likely to be disruptive. In summary, the available evidence is currently insufficient to determine the role of this variant in disease. Therefore, it has been classified as a Variant of Uncertain Significance.